The following is an entry in ClinVar:

ClinVar aggregate classification (germline): Uncertain significance (1 of 4 stars; one submission).

Conditions:
Autosomal recessive distal spinal muscular atrophy 1. Also called: SEVERE INFANTILE AXONAL NEUROPATHY WITH RESPIRATORY FAILURE; SPINAL MUSCULAR ATROPHY, DIAPHRAGMATIC; Spinal muscular atrophy with respiratory distress 1; NEURONOPATHY, DISTAL HEREDITARY MOTOR, HARDING TYPE VI; NEUROPATHY, DISTAL HEREDITARY MOTOR, AUTOSOMAL RECESSIVE 1; HMN VI. Identifiers: Orphanet 98920, MedGen C1858517, MONDO:0011436, OMIM 604320.
Charcot-Marie-Tooth disease axonal type 2S. Also called: CHARCOT-MARIE-TOOTH DISEASE, AXONAL, AUTOSOMAL RECESSIVE, TYPE 2S; CHARCOT-MARIE-TOOTH NEUROPATHY, TYPE 2S. Identifiers: Orphanet 443073, MedGen C4015349, MONDO:0014511, OMIM 616155.

Submission:

Labcorp Genetics (formerly Invitae), Labcorp
Classification: Uncertain significance for Spinal muscular atrophy, distal, autosomal recessive, 1; Charcot-Marie-Tooth disease, axonal, type 2S. Last evaluated: 2019-05-24. Review status: criteria provided, single submitter. Criteria: Invitae Variant Classification Sherloc (09022015). Collection method: clinical testing. Allele origin: germline.
Comment: This sequence change replaces glycine with arginine at codon 98 of the IGHMBP2 protein (p.Gly98Arg). The glycine residue is weakly conserved and there is a moderate physicochemical difference between glycine and arginine. This variant is not present in population databases (ExAC no frequency). This variant has not been reported in the literature in individuals with IGHMBP2-related conditions. Algorithms developed to predict the effect of missense changes on protein structure and function (SIFT, PolyPhen-2, Align-GVGD) all suggest that this variant is likely to be tolerated, but these predictions have not been confirmed by published functional studies and their clinical significance is uncertain. In summary, the available evidence is currently insufficient to determine the role of this variant in disease. Therefore, it has been classified as a Variant of Uncertain Significance.

NM_002180.3(IGHMBP2):c.292G>C (p.Gly98Arg)

Gene: IGHMBP2 (immunoglobulin mu DNA binding protein 2; plus strand). Cytogenetic location: 11q13.3.
Variant type: single nucleotide variant.
Coding change: c.292G>C on transcript NM_002180.3 (MANE Select); coding-DNA position 292, G replaced by C.
Protein change: p.Gly98Arg; replaces glycine 98 with arginine.
Molecular consequence: missense variant.
Genome position (GRCh38, 1-based): chr11:68,908,180, G>C. VCF-style: chr11-68908180-G-C. GRCh37 (hg19) VCF-style: chr11-68675648-G-C.
Other names: short protein forms G98R.
Identifiers: ClinVar variation 850799 (VCV000850799.1), dbSNP rs1858277137, ClinGen allele CA381643074.